The following is an entry in ClinVar:

ClinVar aggregate classification (germline): Uncertain significance (1 of 4 stars; one submission).

Conditions:
ZFYVE19-related disorder. Also called: ZFYVE19-related condition.

Submission:

PreventionGenetics, part of Exact Sciences
Classification: Uncertain significance for ZFYVE19-related condition. Last evaluated: 2026-04-30. Review status: criteria provided, single submitter. Criteria: ACMG Guidelines, 2015. Collection method: clinical testing. Allele origin: germline.
Comment: The ZFYVE19 c.614C>T variant is predicted to result in the amino acid substitution p.Ala205Val. To our knowledge, this variant has not been reported in the literature or in a large population database (gnomAD), indicating this variant is rare. At this time, the clinical significance of this variant is uncertain due to the absence of conclusive functional and genetic evidence.

NM_001077268.2(ZFYVE19):c.614C>T (p.Ala205Val)

Gene: ZFYVE19 (zinc finger FYVE-type containing 19; plus strand). Cytogenetic location: 15q15.1.
Variant type: single nucleotide variant.
Coding change: c.614C>T on transcript NM_001077268.2 (MANE Select); coding-DNA position 614, C replaced by T.
Protein change: p.Ala205Val; replaces alanine 205 with valine.
Molecular consequence: missense variant.
Genome position (GRCh38, 1-based): chr15:40,810,113, C>T. VCF-style: chr15-40810113-C-T. GRCh37 (hg19) VCF-style: chr15-41102311-C-T.
Other names: c.614C>T, p.Ala205Val (NM_001258420.2); c.89C>T, p.Ala30Val (NM_001258421.2); c.584C>T, p.Ala195Val (NM_032850.5); short protein forms A195V, A205V, A30V.
Identifiers: ClinVar variation 4990158 (VCV004990158.1).